The following is an entry in ClinVar:

NM_015488.5(PNKD):c.499G>A (p.Ala167Thr)

Genes: CATIP-AS2 (CATIP antisense RNA 2; minus strand), PNKD (PNKD metallo-beta-lactamase domain containing; plus strand). Cytogenetic location: 2q35.
Variant type: single nucleotide variant.
Coding change: c.499G>A on transcript NM_015488.5 (MANE Select); coding-DNA position 499, G replaced by A.
Protein change: p.Ala167Thr; replaces alanine 167 with threonine.
Molecular consequence: missense variant.
Genome position (GRCh38, 1-based): chr2:218,340,761, G>A. VCF-style: chr2-218340761-G-A. GRCh37 (hg19) VCF-style: chr2-219205484-G-A.
Other names: c.427G>A, p.Ala143Thr (NM_022572.5); short protein forms A167T, A143T.
Identifiers: ClinVar variation 432515 (VCV000432515.11), dbSNP rs1219443955, ClinGen allele CA350539998.

ClinVar aggregate classification (germline): Uncertain significance. Review status: criteria provided, multiple submitters, no conflicts (2 of 4 stars). 2 submissions from 2 submitters: Uncertain significance (2). Last evaluated 2023-08-27.

Conditions:
Paroxysmal nonkinesigenic dyskinesia. Also called: Paroxysmal non-kinesigenic dyskinesia. Identifiers: Orphanet 98810, MedGen C1869117, MONDO:0700088.

Allele frequency attached by ClinVar (database versions not stated): TOPMed below 0.00001; gnomAD 0.00001; gnomAD exomes 0.00001.
gnomAD v4.1: 18 of 1,613,926 alleles (0.0011%); highest among the groups gnomAD compares: Admixed American, 0.0033%; no homozygotes.

Submissions (2):

Labcorp Genetics (formerly Invitae), Labcorp
Classification: Uncertain significance for Paroxysmal nonkinesigenic dyskinesia. Last evaluated: 2023-08-27. Review status: criteria provided, single submitter. Criteria: Invitae Variant Classification Sherloc (09022015). Collection method: clinical testing. Allele origin: germline.
Comment: Advanced modeling of protein sequence and biophysical properties (such as structural, functional, and spatial information, amino acid conservation, physicochemical variation, residue mobility, and thermodynamic stability) performed at Invitae indicates that this missense variant is not expected to disrupt PNKD protein function. In summary, the available evidence is currently insufficient to determine the role of this variant in disease. Therefore, it has been classified as a Variant of Uncertain Significance. This sequence change replaces alanine, which is neutral and non-polar, with threonine, which is neutral and polar, at codon 167 of the PNKD protein (p.Ala167Thr). This variant is present in population databases (no rsID available, gnomAD 0.002%). This missense change has been observed in individual(s) with clinical features of PNKD-related conditions (Invitae). ClinVar contains an entry for this variant (Variation ID: 432515).

GeneDx
Classification: Uncertain significance. Last evaluated: 2017-06-09. Review status: criteria provided, single submitter. Criteria: GeneDx Variant Classification (06012015). Collection method: clinical testing. Allele origin: germline. Affected: yes.
Comment: The A167T variant in the PNKD gene has not been reported previously as a pathogenic variant, nor as a benign variant, to our knowledge. The A167T variant is not observed in large population cohorts (Lek et al., 2016; 1000 Genomes Consortium et al., 2015; Exome Variant Server). The A167T variant is a non-conservative amino acid substitution, which is likely to impact secondary protein structure as these residues differ in polarity, charge, size and/or other properties. This substitution occurs at a position that is conserved across species, however, in silico analysis is inconsistent in its predictions as to whether or not the variant is damaging to the protein structure/function. We interpret A167T as a variant of uncertain significance.